The following is an entry in ClinVar:

ClinVar aggregate classification (germline): Uncertain significance (1 of 4 stars; one submission).

Allele frequency attached by ClinVar (database versions not stated): gnomAD 0.00001; TOPMed below 0.00001.
gnomAD v4.1: 6 of 1,612,986 alleles (0.00037%); highest among the groups gnomAD compares: African/African-American, 0.0027%; no homozygotes.

Submission:

Labcorp Genetics (formerly Invitae), Labcorp
Classification: Uncertain significance. Last evaluated: 2023-11-28. Review status: criteria provided, single submitter. Criteria: Invitae Variant Classification Sherloc (09022015). Collection method: clinical testing. Allele origin: germline.
Comment: This sequence change replaces glycine, which is neutral and non-polar, with arginine, which is basic and polar, at codon 294 of the KCNV2 protein (p.Gly294Arg). This variant is present in population databases (no rsID available, gnomAD 0.01%). This variant has not been reported in the literature in individuals affected with KCNV2-related conditions. ClinVar contains an entry for this variant (Variation ID: 1489184). Advanced modeling of protein sequence and biophysical properties (such as structural, functional, and spatial information, amino acid conservation, physicochemical variation, residue mobility, and thermodynamic stability) performed at Invitae indicates that this missense variant is not expected to disrupt KCNV2 protein function with a negative predictive value of 80%. In summary, the available evidence is currently insufficient to determine the role of this variant in disease. Therefore, it has been classified as a Variant of Uncertain Significance.

NM_133497.4(KCNV2):c.880G>C (p.Gly294Arg)

Gene: KCNV2 (potassium voltage-gated channel modifier subfamily V member 2; plus strand). Cytogenetic location: 9p24.2.
Variant type: single nucleotide variant.
Coding change: c.880G>C on transcript NM_133497.4 (MANE Select); coding-DNA position 880, G replaced by C.
Protein change: p.Gly294Arg; replaces glycine 294 with arginine.
Molecular consequence: missense variant.
Genome position (GRCh38, 1-based): chr9:2,718,619, G>C. VCF-style: chr9-2718619-G-C. GRCh37 (hg19) VCF-style: chr9-2718619-G-C.
Other names: short protein forms G294R.
Identifiers: ClinVar variation 1489184 (VCV001489184.8), dbSNP rs1490064746, ClinGen allele CA372799806.